The following is an entry in ClinVar:

ClinVar aggregate classification (germline): Uncertain significance. Review status: criteria provided, multiple submitters, no conflicts (2 of 4 stars). 2 submissions from 2 submitters: Uncertain significance (2). Last evaluated 2022-08-09.

Conditions:
Inborn genetic diseases. Identifiers: MedGen C0950123, MeSH D030342.

Allele frequency attached by ClinVar (database versions not stated): gnomAD 0.00001; gnomAD exomes 0.00002 and 0.00005; ExAC 0.00004; TOPMed 0.00005.
gnomAD v4.1: 13 of 1,614,070 alleles (0.00081%); highest among the groups gnomAD compares: Admixed American, 0.022%; no homozygotes.

Submissions (2):

Labcorp Genetics (formerly Invitae), Labcorp
Classification: Uncertain significance. Last evaluated: 2022-08-09. Review status: criteria provided, single submitter. Criteria: Invitae Variant Classification Sherloc (09022015). Collection method: clinical testing. Allele origin: germline.
Comment: This sequence change replaces leucine, which is neutral and non-polar, with tryptophan, which is neutral and slightly polar, at codon 818 of the IMPG2 protein (p.Leu818Trp). This variant is present in population databases (rs771179590, gnomAD 0.04%). This variant has not been reported in the literature in individuals affected with IMPG2-related conditions. ClinVar contains an entry for this variant (Variation ID: 1347645). Algorithms developed to predict the effect of missense changes on protein structure and function are either unavailable or do not agree on the potential impact of this missense change (SIFT: "Deleterious"; PolyPhen-2: "Benign"; Align-GVGD: "Class C55"). In summary, the available evidence is currently insufficient to determine the role of this variant in disease. Therefore, it has been classified as a Variant of Uncertain Significance.

Ambry Genetics
Classification: Uncertain significance for Inborn genetic diseases. Last evaluated: 2021-10-26. Review status: criteria provided, single submitter. Criteria: Ambry Variant Classification Scheme 2023. Collection method: clinical testing. Allele origin: germline.

NM_016247.4(IMPG2):c.2453T>G (p.Leu818Trp)

Gene: IMPG2 (interphotoreceptor matrix proteoglycan 2; minus strand). Cytogenetic location: 3q12.3.
Variant type: single nucleotide variant.
Coding change: c.2453T>G on transcript NM_016247.4 (MANE Select); coding-DNA position 2453, T replaced by G.
Protein change: p.Leu818Trp; replaces leucine 818 with tryptophan.
Molecular consequence: missense variant.
Genome position (GRCh38, 1-based): chr3:101,243,878, A>C on the plus strand (T>G on the coding strand, the complement: IMPG2 is on the minus strand). VCF-style: chr3-101243878-A-C. GRCh37 (hg19) VCF-style: chr3-100962722-A-C.
Other names: c.2453T>G (NM_016247.3); short protein forms L818W.
Identifiers: ClinVar variation 1347645 (VCV001347645.4), dbSNP rs771179590, ClinGen allele CA2518974.
Genomic context (GRCh38, chr3:101,243,878, plus strand): 5'-ATATCCTGTACACCCATAATTACTTCATCCTCTAGCAGGGTGGAGATTGTGGTTGGAGGC[A>C]ATTTGGTAGACTGTGTCACAGATAACCAGAGCCTGTCAGCACTCTGTGGTGTACTTGCCA-3'
Protein context (NP_057331.2, residues 808-828): LWLSVTQSTK[Leu818Trp]PPTTISTLLE